The following is an entry in ClinVar:

ClinVar aggregate classification (germline): Uncertain significance (1 of 4 stars; one submission).

Submission:

GeneDx
Classification: Uncertain significance. Last evaluated: 2024-05-02. Review status: criteria provided, single submitter. Criteria: GeneDx Variant Classification Process June 2021. Collection method: clinical testing. Allele origin: germline. Affected: yes.
Comment: Not observed at significant frequency in large population cohorts (gnomAD); In silico analysis supports that this missense variant has a deleterious effect on protein structure/function; Has not been previously published as pathogenic or benign to our knowledge

NM_001287491.2(TET3):c.2533C>T (p.His845Tyr)

Gene: TET3 (tet methylcytosine dioxygenase 3; plus strand). Cytogenetic location: 2p13.1.
Variant type: single nucleotide variant.
Coding change: c.2533C>T on transcript NM_001287491.2 (MANE Select); coding-DNA position 2533, C replaced by T.
Protein change: p.His845Tyr; replaces histidine 845 with tyrosine.
Molecular consequence: missense variant.
Genome position (GRCh38, 1-based): chr2:74,073,587, C>T. VCF-style: chr2-74073587-C-T. GRCh37 (hg19) VCF-style: chr2-74300714-C-T.
Other names: c.2254C>T, p.His752Tyr (NM_001366022.1); short protein forms H752Y, H845Y.
Identifiers: ClinVar variation 3375977 (VCV003375977.1).
Genomic context (GRCh38, chr2:74,073,587, plus strand): 5'-TTTACTCTCTGTGTTTCTGCAGAACAAATAGTGGAGAAAGATGAAGGTCCATATTATACT[C>T]ACTTGGGATCTGGCCCCACGGTCGCCTCTATCCGGGAACTCATGGAGGAGCGGTGAGTGA-3'
Protein context (NP_001274420.1, residues 835-855): VEKDEGPYYT[His845Tyr]LGSGPTVASI